The following is an entry in ClinVar:

NM_005189.3(CBX2):c.420C>T (p.His140=)

Gene: CBX2 (chromobox 2; plus strand). Cytogenetic location: 17q25.3.
Variant type: single nucleotide variant.
Coding change: c.420C>T on transcript NM_005189.3 (MANE Select); coding-DNA position 420, C replaced by T.
Protein change: p.His140=; no amino-acid change (histidine 140 retained).
Molecular consequence: synonymous variant.
Genome position (GRCh38, 1-based): chr17:79,783,863, C>T. VCF-style: chr17-79783863-C-T. GRCh37 (hg19) VCF-style: chr17-77757662-C-T.
Other names: c.420C>T (NM_005189.2).
Identifiers: ClinVar variation 1674397 (VCV001674397.10), dbSNP rs142511410, ClinGen allele CA8811235.

ClinVar aggregate classification (germline): Benign/Likely benign. Review status: criteria provided, multiple submitters, no conflicts (2 of 4 stars). 3 submissions from 3 submitters: Benign (1); Likely benign (2). Last evaluated 2025-02-27.

Conditions:
CBX2-related disorder. Also called: CBX2-related condition.

Allele frequency attached by ClinVar (database versions not stated): gnomAD 0.00072 and 0.00074; gnomAD exomes 0.00072 and 0.00134; TOPMed 0.00077; ExAC 0.00078; ESP Exome Variant Server 0.00108; 1000 Genomes Project 30x 0.00016; 1000 Genomes Project 0.00020.
gnomAD v4.1: 2,016 of 1,614,000 alleles (0.12%); highest among the groups gnomAD compares: Non-Finnish European, 0.16%; 4 homozygotes.

Submissions (3):

Labcorp Genetics (formerly Invitae), Labcorp
Classification: Likely benign. Last evaluated: 2025-02-27. Review status: criteria provided, single submitter. Criteria: Invitae Variant Classification Sherloc (09022015). Collection method: clinical testing. Allele origin: germline.

PreventionGenetics, part of Exact Sciences
Classification: Benign for CBX2-related condition. Last evaluated: 2025-01-07. Review status: criteria provided, single submitter. Criteria: ACMG Guidelines, 2015. Collection method: clinical testing. Allele origin: germline.
Comment: This variant is classified as benign based on ACMG/AMP sequence variant interpretation guidelines (Richards et al. 2015 PMID: 25741868, with internal and published modifications).

Breakthrough Genomics
Classification: Likely benign. Review status: criteria provided, single submitter. Criteria: ACMG Guidelines, 2015. Collection method: not provided. Allele origin: germline. Inheritance: Autosomal recessive inheritance. Affected: yes.